The following is an entry in ClinVar:

ClinVar aggregate classification (germline): Uncertain significance (1 of 4 stars; one submission).

Submission:

Labcorp Genetics (formerly Invitae), Labcorp
Classification: Uncertain significance. Last evaluated: 2023-06-20. Review status: criteria provided, single submitter. Criteria: Invitae Variant Classification Sherloc (09022015). Collection method: clinical testing. Allele origin: germline.
Comment: In summary, the available evidence is currently insufficient to determine the role of this variant in disease. Therefore, it has been classified as a Variant of Uncertain Significance. Algorithms developed to predict the effect of sequence changes on RNA splicing suggest that this variant may disrupt the consensus splice site. Experimental studies and prediction algorithms are not available or were not evaluated, and the functional significance of this variant is currently unknown. This variant has not been reported in the literature in individuals affected with SRP72-related conditions. This variant is not present in population databases (gnomAD no frequency). This variant, c.1504_1509del, results in the deletion of 2 amino acid(s) of the SRP72 protein (p.Leu502_Ser503del), but otherwise preserves the integrity of the reading frame.

NC_000004.12:g.56491432_56491437del

Gene: SRP72 (signal recognition particle 72; plus strand). Cytogenetic location: 4q12.
Variant type: Deletion.
Genome position: GRCh38 VCF-style: chr4-56491428-CAGTCTT-C. GRCh37 (hg19) VCF-style: chr4-57357594-CAGTCTT-C.
Identifiers: ClinVar variation 3011896 (VCV003011896.3), dbSNP rs2545768748, ClinGen allele CA2740091278.